The following is an entry in ClinVar:

ClinVar aggregate classification (germline): Uncertain significance (1 of 4 stars; one submission).

Submission:

Ambry Genetics
Classification: Uncertain significance. Last evaluated: 2022-09-10. Review status: criteria provided, single submitter. Criteria: Ambry Variant Classification Scheme 2023. Collection method: clinical testing. Allele origin: germline.
Comment: The p.Q2979R variant (also known as c.8936A>G), located in coding exon 65 of the PRKDC gene, results from an A to G substitution at nucleotide position 8936. The glutamine at codon 2979 is replaced by arginine, an amino acid with highly similar properties. This amino acid position is conserved. Since supporting evidence is limited at this time, the clinical significance of this alteration remains unclear.

NM_006904.7(PRKDC):c.8936A>G (p.Gln2979Arg)

Gene: PRKDC (protein kinase, DNA-activated, catalytic subunit; minus strand). Cytogenetic location: 8q11.21.
Variant type: single nucleotide variant.
Coding change: c.8936A>G on transcript NM_006904.7 (MANE Select); coding-DNA position 8936, A replaced by G.
Protein change: p.Gln2979Arg; replaces glutamine 2979 with arginine.
Molecular consequence: missense variant.
Genome position (GRCh38, 1-based): chr8:47,821,779, T>C on the plus strand (A>G on the coding strand, the complement: PRKDC is on the minus strand). VCF-style: chr8-47821779-T-C. GRCh37 (hg19) VCF-style: chr8-48734340-T-C.
Other names: c.8936A>G, p.Gln2979Arg (NM_001081640.2); short protein forms Q2979R.
Identifiers: ClinVar variation 1765167 (VCV001765167.2), dbSNP rs2551865600, ClinGen allele CA371141151.